The following is an entry in ClinVar:

ClinVar aggregate classification (germline): Benign/Likely benign. Review status: criteria provided, multiple submitters, no conflicts (2 of 4 stars). 3 submissions from 3 submitters: Benign (1); Likely benign (2). Last evaluated 2024-09-11.

Conditions:
Hereditary diffuse gastric adenocarcinoma (HDGC). Also called: DIFFUSE GASTRIC AND LOBULAR BREAST CANCER SYNDROME. Identifiers: Orphanet 26106, MedGen C1708349, MONDO:0007648, OMIM 137215.
Hereditary cancer-predisposing syndrome. Also called: Neoplastic Syndromes, Hereditary; Hereditary Cancer Syndrome; Tumor predisposition; Hereditary neoplastic syndrome. Identifiers: Orphanet 140162, MedGen C0027672, MeSH D009386, MONDO:0015356.

Submissions (3):

Myriad Genetics, Inc.
Classification: Benign for Hereditary diffuse gastric adenocarcinoma. Last evaluated: 2024-09-11. Review status: criteria provided, single submitter. Criteria: Myriad Autosomal Dominant, Autosomal Recessive and X-Linked Classification Criteria (2023). Collection method: clinical testing. Allele origin: unknown.
Comment: This variant is considered benign. This variant is a silent/synonymous amino acid change and it is not expected to impact splicing.

Ambry Genetics
Classification: Likely benign for Hereditary cancer-predisposing syndrome. Last evaluated: 2024-06-23. Review status: criteria provided, single submitter. Criteria: Ambry Variant Classification Scheme 2023. Collection method: clinical testing. Allele origin: germline.

Labcorp Genetics (formerly Invitae), Labcorp
Classification: Likely benign for Hereditary diffuse gastric adenocarcinoma. Last evaluated: 2021-05-19. Review status: criteria provided, single submitter. Criteria: Invitae Variant Classification Sherloc (09022015). Collection method: clinical testing. Allele origin: germline.

NM_004360.5(CDH1):c.51C>T (p.Val17=)

Gene: CDH1 (cadherin 1; plus strand). Cytogenetic location: 16q22.1.
Variant type: single nucleotide variant.
Coding change: c.51C>T on transcript NM_004360.5 (MANE Select); coding-DNA position 51, C replaced by T.
Protein change: p.Val17=; no amino-acid change (valine 17 retained).
Molecular consequence: synonymous variant. On other transcripts: 5 prime UTR variant (2).
Genome position (GRCh38, 1-based): chr16:68,738,299, C>T. VCF-style: chr16-68738299-C-T. GRCh37 (hg19) VCF-style: chr16-68772202-C-T.
Other names: c.51C>T, p.Val17= (NM_001317184.2); c.-1565C>T (NM_001317185.2); c.-1769C>T (NM_001317186.2).
Identifiers: ClinVar variation 799036 (VCV000799036.13), dbSNP rs1597838436, ClinGen allele CA496149584.